The following is an entry in ClinVar:

ClinVar aggregate classification (germline): Likely pathogenic. Review status: criteria provided, single submitter (1 of 4 stars). 2 submissions from 2 submitters: Likely pathogenic (1). 1 of the submissions does not count toward it.

Conditions:
Microcephaly, growth deficiency, seizures, and brain malformations. Identifiers: MedGen C5193042, MONDO:0032690, OMIM 618346.
Galloway-Mowat syndrome 6. Identifiers: MedGen C5193043, MONDO:0032691, OMIM 618347.

Submissions (2):

Juno Genomics, Hangzhou Juno Genomics, Inc
Classification: Likely pathogenic for Galloway-Mowat syndrome 6; Microcephaly, growth deficiency, seizures, and brain malformations. Review status: criteria provided, single submitter. Criteria: ACMG Guidelines, 2015. Collection method: clinical testing. Allele origin: germline.
Comment: Absent from controls (or at extremely low frequency if recessive) in Genome Aggregation Database.;Null variant in a gene where loss of function (LOF) is a known mechanism of disease.

OMIM
Classification: Pathogenic for GALLOWAY-MOWAT SYNDROME 6. Last evaluated: 2019-03-08. Review status: no assertion criteria provided. Collection method: literature only. Allele origin: germline. Not counted in ClinVar's aggregate classification.

Literature cited by the submitters: PubMed 29597095 (cited by OMIM).

NM_018669.6(WDR4):c.940dup (p.Leu314fs)

Gene: WDR4 (WDR4 tRNA N7-guanosine methyltransferase non-catalytic subunit; minus strand). Cytogenetic location: 21q22.3.
Variant type: Duplication.
Coding change: c.940dup on transcript NM_018669.6 (MANE Select); coding-DNA position 940, one base duplicated (C; older notation c.940dupC).
Protein change: p.Leu314fs; shifts the reading frame from leucine 314.
Molecular consequence: frameshift variant. On other transcripts: non-coding transcript variant (1).
Genome position (GRCh38, 1-based): chr21:42,853,604, G duplicated on the plus strand (C on the coding strand, the reverse complement: WDR4 is on the minus strand); the first of 6 consecutive G bases (chr21:42,853,604-42,853,609); duplicating any one gives the same sequence. VCF-style (leftmost placement, unchanged base first): chr21-42853603-A-AG. GRCh37 (hg19) VCF-style: chr21-44273713-A-AG.
Other names: c.937dup, p.Leu313fs (NM_001260474.2); c.502dup, p.Leu168fs (NM_001260475.2, NM_001260476.2, NM_001260477.2); c.940dup, p.Leu314fs (NM_033661.5); c.940dupC (NM_033661.4); short protein forms L168fs, L313fs, L314fs.
Identifiers: ClinVar variation 438742 (VCV000438742.3), dbSNP rs776760122, ClinGen allele CA10045886.